The following is an entry in ClinVar:

NM_178857.6(RP1L1):c.1764C>G (p.Asp588Glu)

Gene: RP1L1 (RP1 like 1). Cytogenetic location: 8p23.1.
Variant type: single nucleotide variant.
Coding change: c.1764C>G on transcript NM_178857.6 (MANE Select); coding-DNA position 1764, C replaced by G.
Protein change: p.Asp588Glu; replaces aspartic acid 588 with glutamic acid.
Molecular consequence: missense variant.
Genome position (GRCh38, 1-based): chr8:10,612,334, G>C on the plus strand (C>G on the coding strand, the complement: RP1L1 is on the minus strand). VCF-style: chr8-10612334-G-C. GRCh37 (hg19) VCF-style: chr8-10469844-G-C.
Other names: short protein forms D588E.
Identifiers: ClinVar variation 4989957 (VCV004989957.1).

ClinVar aggregate classification (germline): Uncertain significance (1 of 4 stars; one submission).

Conditions:
RP1L1-related disorder. Also called: RP1L1-related condition.

gnomAD v4.1: 3 of 1,613,200 alleles (0.00019%); highest among the groups gnomAD compares: Non-Finnish European, 0.00025%; no homozygotes.

Submission:

PreventionGenetics, part of Exact Sciences
Classification: Uncertain significance for RP1L1-related condition. Last evaluated: 2026-03-17. Review status: criteria provided, single submitter. Criteria: ACMG Guidelines, 2015. Collection method: clinical testing. Allele origin: germline.
Comment: The RP1L1 c.1764C>G variant is predicted to result in the amino acid substitution p.Asp588Glu. To our knowledge, this variant has not been reported in the literature. This variant is reported in 0.00089% of alleles in individuals of European (Non-Finnish) descent in gnomAD. At this time, the clinical significance of this variant is uncertain due to the absence of conclusive functional and genetic evidence.